The following is an entry in ClinVar:

ClinVar aggregate classification (germline): Likely benign (0 of 4 stars; one submission).

Conditions:
UNC13A-related disorder. Also called: UNC13A-related condition.

gnomAD v4.1: 43 of 1,613,808 alleles (0.0027%); highest among the groups gnomAD compares: South Asian, 0.0044%; no homozygotes.

Submission:

PreventionGenetics, part of Exact Sciences
Classification: Likely benign for UNC13A-related condition. Last evaluated: 2024-07-02. Review status: no assertion criteria provided. Collection method: clinical testing. Allele origin: germline.
Comment: This variant is classified as likely benign based on ACMG/AMP sequence variant interpretation guidelines (Richards et al. 2015 PMID: 25741868, with internal and published modifications).

NM_001080421.3(UNC13A):c.69C>T (p.Tyr23=)

Gene: UNC13A (unc-13 homolog A; minus strand). Cytogenetic location: 19p13.11.
Variant type: single nucleotide variant.
Coding change: c.69C>T on transcript NM_001080421.3 (MANE Select); coding-DNA position 69, C replaced by T.
Protein change: p.Tyr23=; no amino-acid change (tyrosine 23 retained).
Molecular consequence: synonymous variant.
Genome position (GRCh38, 1-based): chr19:17,674,740, G>A on the plus strand (C>T on the coding strand, the complement: UNC13A is on the minus strand). VCF-style: chr19-17674740-G-A. GRCh37 (hg19) VCF-style: chr19-17785549-G-A.
Other names: c.69C>T, p.Tyr23= (NM_001387021.1, NM_001387022.1, NM_001387023.1).
Identifiers: ClinVar variation 3351281 (VCV003351281.1).